The following is an entry in ClinVar:

ClinVar aggregate classification (germline): Uncertain significance. Review status: criteria provided, multiple submitters, no conflicts (2 of 4 stars). 2 submissions from 2 submitters: Uncertain significance (2). Last evaluated 2024-02-15.

Conditions:
Cardiovascular phenotype. Identifiers: MedGen CN230736.
Long QT syndrome (LQTS). Identifiers: MedGen C0023976, MeSH D008133, MONDO:0002442. Disease mechanism: loss of function. Inheritance: Various modes of inheritance.

gnomAD v4.1: 5 of 1,604,460 alleles (0.00031%); highest among the groups gnomAD compares: Non-Finnish European, 0.00043%; no homozygotes.

Submissions (2):

Labcorp Genetics (formerly Invitae), Labcorp
Classification: Uncertain significance for Long QT syndrome. Last evaluated: 2024-02-15. Review status: criteria provided, single submitter. Criteria: Invitae Variant Classification Sherloc (09022015). Collection method: clinical testing. Allele origin: germline.
Comment: This sequence change replaces serine, which is neutral and polar, with cysteine, which is neutral and slightly polar, at codon 1718 of the AKAP9 protein (p.Ser1718Cys). This variant is not present in population databases (gnomAD no frequency). This variant has not been reported in the literature in individuals affected with AKAP9-related conditions. ClinVar contains an entry for this variant (Variation ID: 2449739). An algorithm developed to predict the effect of missense changes on protein structure and function (PolyPhen-2) suggests that this variant is likely to be tolerated. In summary, the available evidence is currently insufficient to determine the role of this variant in disease. Therefore, it has been classified as a Variant of Uncertain Significance.

Ambry Genetics
Classification: Uncertain significance for Cardiovascular phenotype. Last evaluated: 2022-11-27. Review status: criteria provided, single submitter. Criteria: Ambry Variant Classification Scheme 2023. Collection method: clinical testing. Allele origin: germline.
Comment: The p.S1718C variant (also known as c.5153C>G), located in coding exon 20 of the AKAP9 gene, results from a C to G substitution at nucleotide position 5153. The serine at codon 1718 is replaced by cysteine, an amino acid with dissimilar properties. This amino acid position is conserved. In addition, this alteration is predicted to be tolerated by in silico analysis. Since supporting evidence is limited at this time, the clinical significance of this alteration remains unclear.

NM_005751.5(AKAP9):c.5153C>G (p.Ser1718Cys)

Gene: AKAP9 (A-kinase anchoring protein 9; plus strand). Cytogenetic location: 7q21.2.
Variant type: single nucleotide variant.
Coding change: c.5153C>G on transcript NM_005751.5 (MANE Select); coding-DNA position 5153, C replaced by G.
Protein change: p.Ser1718Cys; replaces serine 1718 with cysteine.
Molecular consequence: missense variant.
Genome position (GRCh38, 1-based): chr7:92,042,762, C>G. VCF-style: chr7-92042762-C-G. GRCh37 (hg19) VCF-style: chr7-91672076-C-G.
Other names: c.5153C>G, p.Ser1718Cys (NM_147185.3); short protein forms S1718C.
Identifiers: ClinVar variation 2449739 (VCV002449739.4), dbSNP rs1584285416, ClinGen allele CA368130426.